The following is an entry in ClinVar:

NM_001174147.2(LMX1B):c.*79G>A

Gene: LMX1B (LIM homeobox transcription factor 1 beta; plus strand). Cytogenetic location: 9q33.3.
Variant type: single nucleotide variant.
Coding change: c.*79G>A on transcript NM_001174147.2 (MANE Select); 79 bases downstream of the stop codon, G replaced by A.
Molecular consequence: 3 prime UTR variant.
Genome position (GRCh38, 1-based): chr9:126,696,530, G>A. VCF-style: chr9-126696530-G-A. GRCh37 (hg19) VCF-style: chr9-129458809-G-A.
Other names: c.*79G>A (NM_001174146.2, NM_002316.4).
Identifiers: ClinVar variation 364894 (VCV000364894.8), dbSNP rs10115393, ClinGen allele CA10632424.

ClinVar aggregate classification (germline): Benign. Review status: criteria provided, multiple submitters, no conflicts (2 of 4 stars). 3 submissions from 3 submitters: Benign (3). Last evaluated 2018-06-26.

Conditions:
Nail-patella syndrome (NPS). Also called: FONG DISEASE; ONYCHOOSTEODYSPLASIA; TURNER-KIESER SYNDROME. Identifiers: Orphanet 2614, MedGen C0027341, MONDO:0008061, OMIM 161200.

Allele frequency attached by ClinVar (database versions not stated): gnomAD exomes 0.01178; gnomAD 0.07595; 1000 Genomes Project 0.08786; 1000 Genomes Project 30x 0.09182; TOPMed 0.09252.
gnomAD v4.1: 29,380 of 1,533,440 alleles (1.9%); highest among the groups gnomAD compares: African/African-American, 27%; 2,914 homozygotes.

Submissions (3):

GeneDx
Classification: Benign. Last evaluated: 2018-06-26. Review status: criteria provided, single submitter. Criteria: GeneDx Variant Classification Process June 2021. Collection method: clinical testing. Allele origin: germline. Affected: yes.

Illumina Laboratory Services, Illumina
Classification: Benign for Nail-patella syndrome. Last evaluated: 2018-01-13. Review status: criteria provided, single submitter. Criteria: ICSL Variant Classification Criteria 13 December 2019. Collection method: clinical testing. Allele origin: germline.
Comment: This variant was observed in the ICSL laboratory as part of a predisposition screen in an ostensibly healthy population. It had not been previously curated by ICSL or reported in the Human Gene Mutation Database (HGMD: prior to June 1st, 2018), and was therefore a candidate for classification through an automated scoring system. Utilizing variant allele frequency, disease prevalence and penetrance estimates, and inheritance mode, an automated score was calculated to assess if this variant is too frequent to cause the disease. Based on the score and internal cut-off values, a variant classified as benign is not then subjected to further curation. The score for this variant resulted in a classification of benign for this disease.

Breakthrough Genomics
Classification: Benign. Review status: criteria provided, single submitter. Criteria: ACMG Guidelines, 2015. Collection method: not provided. Allele origin: germline. Inheritance: Autosomal dominant inheritance. Affected: yes.